The following is an entry in ClinVar:

ClinVar aggregate classification (germline): Pathogenic. Review status: reviewed by expert panel (3 of 4 stars). 3 submissions from 3 submitters: Pathogenic (1). 2 of the submissions do not count toward it. Last evaluated 2025-08-01.

Conditions:
RPGR-related retinopathy. Also called: RPGR retinopathy. Identifiers: MedGen CN305589, MONDO:0100437.
Primary ciliary dyskinesia. Also called: Ciliary dyskinesia. Identifiers: Orphanet 244, MedGen C0008780, MONDO:0016575, HP:0012265.

Submissions (3):

ClinGen X-linked Inherited Retinal Disease Variant Curation Expert Panel, ClinGen
Classification: Pathogenic for RPGR-related retinopathy. Last evaluated: 2025-08-01. Review status: reviewed by expert panel. Criteria: ClinGen X LinkedIRD ACMG Specifications RPGR V1.0.0. Collection method: curation. Allele origin: germline. Inheritance: X-linked inheritance.
Comment: NM_001034853.2(RPGR):c.1100del (p.Pro367LeufsTer14) is a frameshift variant due to deletion of 1 nucleotide and introduces a premature stop codon after 14 amino acids in exon 10 of 15 that is predicted to result in nonsense-mediated decay (PVS1). This variant is absent from gnomAD v4.1.0 (PM2_Supporting). This variant has been reported in at least 2 apparently unrelated probands meeting one of the PS4 requirements of a male with some functional vision impairment by age 30 years and/or decreased or absent electroretinogram responses, or a female with functional visual abnormality and documentation of a male relative affected with retinitis pigmentosa (PMID: 36017691, PMID: 10937588, PS4_Supporting). In summary, this variant is classified as pathogenic for RPGR-related retinopathy based on the ClinGen X-linked Inherited Retinal Disease Expert Panel Specifications to the ACMG/AMP Variant Interpretation Guidelines for RPGR Version 1.0.0; PVS1, PS4_Supporting and PM2_Supporting. (date of approval 05/16/2025).

Labcorp Genetics (formerly Invitae), Labcorp
Classification: Pathogenic for Primary ciliary dyskinesia. Last evaluated: 2025-11-28. Review status: criteria provided, single submitter. Criteria: Invitae Variant Classification Sherloc (09022015). Collection method: clinical testing. Allele origin: germline. Not counted in ClinVar's aggregate classification.
Comment: This sequence change creates a premature translational stop signal (p.Pro367Leufs*14) in the RPGR gene. It is expected to result in an absent or disrupted protein product. Loss-of-function variants in RPGR are known to be pathogenic (PMID: 16055928, 16969763). This variant is not present in population databases (gnomAD no frequency). This premature translational stop signal has been observed in individual(s) with retinitis pigmentosa (PMID: 10937588). ClinVar contains an entry for this variant (Variation ID: 98728). For these reasons, this variant has been classified as Pathogenic.

Retina International
No classification provided. Review status: no classification provided. Collection method: not provided. Allele origin: not provided. Not counted in ClinVar's aggregate classification.

Literature cited by the submitters: PubMed 16055928 (cited by Labcorp Genetics (formerly Invitae), Labcorp); PubMed 16969763 (cited by Labcorp Genetics (formerly Invitae), Labcorp); PubMed 10937588 (cited by Labcorp Genetics (formerly Invitae), Labcorp).

NM_001034853.2(RPGR):c.1100del (p.Pro367fs)

Gene: RPGR (retinitis pigmentosa GTPase regulator; minus strand). Cytogenetic location: Xp11.4.
Variant type: Deletion.
Coding change: c.1100del on transcript NM_001034853.2 (MANE Select); coding-DNA position 1100, one base deleted (C; older notation c.1100delC).
Protein change: p.Pro367fs; shifts the reading frame from proline 367.
Molecular consequence: frameshift variant. On other transcripts: non-coding transcript variant (6), intron variant (2).
Genome position (GRCh38, 1-based): chrX:38,299,101, G deleted on the plus strand (C on the coding strand, the reverse complement: RPGR is on the minus strand); the first of 2 consecutive G bases (chrX:38,299,101-38,299,102); deleting either gives the same sequence. VCF-style (leftmost placement, unchanged base first): chrX-38299100-AG-A. GRCh37 (hg19) VCF-style: chrX-38158353-AG-A.
Other names: NM_001034853.2(RPGR):c.1100del; p.Pro367fs; c.1100del, p.Pro367fs (NM_000328.3, NM_001367247.1); c.1097del, p.Pro366fs (NM_001367245.1, NM_001367249.1, NM_001367250.1); c.1130del, p.Pro377fs (NM_001367248.1); c.1060-1649del (NM_001367251.1, NM_001367246.1); short protein forms P366fs, P367fs, P377fs.
Identifiers: ClinVar variation 98728 (VCV000098728.3), dbSNP rs62635000, ClinGen allele CA226343.